The following is an entry in ClinVar:

NM_001256789.3(CACNA1F):c.4471C>T (p.Arg1491Ter)

Gene: CACNA1F (calcium voltage-gated channel subunit alpha1 F; minus strand). Cytogenetic location: Xp11.23.
Variant type: single nucleotide variant.
Coding change: c.4471C>T on transcript NM_001256789.3 (MANE Select); coding-DNA position 4471, C replaced by T.
Protein change: p.Arg1491Ter; replaces arginine 1491 with a stop codon.
Molecular consequence: nonsense.
Genome position (GRCh38, 1-based): chrX:49,210,604, G>A on the plus strand (C>T on the coding strand, the complement: CACNA1F is on the minus strand). VCF-style: chrX-49210604-G-A. GRCh37 (hg19) VCF-style: chrX-49067064-G-A.
Other names: NC_000023.10:g.49067064G>A; NP_001243718.1:p.(Arg1491Ter); c.4309C>T, p.Arg1437Ter (NM_001256790.3); c.4504C>T, p.Arg1502Ter (NM_005183.4); short protein forms R1502*, R1437*, R1491*.
Identifiers: ClinVar variation 587382 (VCV000587382.4), dbSNP rs782581701, ClinGen allele CA10410201.

ClinVar aggregate classification (germline): Pathogenic. Review status: criteria provided, multiple submitters, no conflicts (2 of 4 stars). 3 submissions from 3 submitters: Pathogenic (3). Last evaluated 2023-07-24.

Conditions:
Optic atrophy. Identifiers: MedGen C0029124, MONDO:0003608, HP:0000648.
Congenital stationary night blindness 2A (CSNB2A). Also called: CSNB, INCOMPLETE, X-LINKED; Night blindness, congenital stationary (incomplete), 2A, X-linked; NIGHT BLINDNESS, CONGENITAL STATIONARY, TYPE 2; CACNA1F-Related X-Linked Congenital Stationary Night Blindness. Identifiers: Orphanet 215, MedGen C1848172, MONDO:0010241, OMIM 300071.
Cone-rod dystrophy. Also called: Cone/cone-rod dystrophy; Cone-rod degeneration. Identifiers: Orphanet 1872, MedGen C4085590, MONDO:0015993, HP:0000548.

Allele frequency attached by ClinVar (database versions not stated): ExAC below 0.00001.

Submissions (3):

Ophthalmic Genetics Group, Institute of Molecular and Clinical Ophthalmology Basel
Classification: Pathogenic for Cone-rod dystrophy. Last evaluated: 2023-07-24. Review status: criteria provided, single submitter. Criteria: ACMG Guidelines, 2015. Collection method: research. Allele origin: germline. Affected: yes. Observed: 1 variant allele.
Comment: Clinical significance based on ACMG v2.0

This variant was classified as Pathogenic based on ACMG criteria: PVS1, PM2, PP5.

Institute of Human Genetics, Univ. Regensburg, Univ. Regensburg
Classification: Pathogenic for Optic atrophy. Last evaluated: 2023-01-01. Review status: criteria provided, single submitter. Criteria: ACMG Guidelines, 2015. Collection method: clinical testing. Allele origin: germline. Affected: yes.

Molecular Genetics Laboratory, Institute for Ophthalmic Research
Classification: Pathogenic for Congenital stationary night blindness 2A. Last evaluated: 2018-08-21. Review status: criteria provided, single submitter. Criteria: ACMG Guidelines, 2015. Collection method: research. Allele origin: germline. Affected: yes.

Literature cited by the submitters: PubMed 36909829 (cited by Ophthalmic Genetics Group, Institute of Molecular and Clinical Ophthalmology Basel); PubMed 30576320 (cited by Institute of Human Genetics, Univ. Regensburg, Univ. Regensburg and Molecular Genetics Laboratory, Institute for Ophthalmic Research); PubMed 33668843 (cited by Institute of Human Genetics, Univ. Regensburg, Univ. Regensburg); PubMed 35457050 (cited by Institute of Human Genetics, Univ. Regensburg, Univ. Regensburg).